The following is an entry in ClinVar:

ClinVar aggregate classification (germline): Pathogenic (1 of 4 stars; one submission).

Conditions:
Wilson disease (WND). Also called: Wilson's disease. Identifiers: Orphanet 905, MedGen C0019202, MONDO:0010200, OMIM 277900. Disease mechanism: loss of function.

gnomAD v4.1: 1 of 1,613,910 alleles (0.000062%); highest among the groups gnomAD compares: Middle Eastern, 0.017%; no homozygotes.

Submission:

Labcorp Genetics (formerly Invitae), Labcorp
Classification: Pathogenic for Wilson disease. Last evaluated: 2023-07-11. Review status: criteria provided, single submitter. Criteria: Invitae Variant Classification Sherloc (09022015). Collection method: clinical testing. Allele origin: germline.
Comment: For these reasons, this variant has been classified as Pathogenic. This variant disrupts a region of the ATP7B protein in which other variant(s) (p.Arg1459Glyfs*2) have been determined to be pathogenic (PMID: 26799313). This suggests that this is a clinically significant region of the protein, and that variants that disrupt it are likely to be disease-causing. This variant has not been reported in the literature in individuals affected with ATP7B-related conditions. This variant is present in population databases (no rsID available, gnomAD no frequency). This sequence change creates a premature translational stop signal (p.Tyr1384*) in the ATP7B gene. While this is not anticipated to result in nonsense mediated decay, it is expected to disrupt the last 82 amino acid(s) of the ATP7B protein.

Literature cited by the submitters: PubMed 26799313.

NM_000053.4(ATP7B):c.4152T>G (p.Tyr1384Ter)

Gene: ATP7B (ATPase copper transporting beta; minus strand). Cytogenetic location: 13q14.3.
Variant type: single nucleotide variant.
Coding change: c.4152T>G on transcript NM_000053.4 (MANE Select); coding-DNA position 4152, T replaced by G.
Protein change: p.Tyr1384Ter; replaces tyrosine 1384 with a stop codon.
Molecular consequence: nonsense.
Genome position (GRCh38, 1-based): chr13:51,935,002, A>C on the plus strand (T>G on the coding strand, the complement: ATP7B is on the minus strand). VCF-style: chr13-51935002-A-C. GRCh37 (hg19) VCF-style: chr13-52509138-A-C.
Other names: c.3531T>G, p.Tyr1177Ter (NM_001005918.3); c.3819T>G, p.Tyr1273Ter (NM_001243182.2); c.3918T>G, p.Tyr1306Ter (NM_001330578.2, NM_001406527.1, NM_001406528.1); c.3900T>G, p.Tyr1300Ter (NM_001330579.2, NM_001406531.1, NM_001406532.1); c.4152T>G, p.Tyr1384Ter (NM_001406511.1, NM_001406512.1); c.4146T>G, p.Tyr1382Ter (NM_001406513.1); c.4119T>G, p.Tyr1373Ter (NM_001406514.1); c.4098T>G, p.Tyr1366Ter (NM_001406515.1, NM_001406516.1); and 21 more; short protein forms Y1157*, Y1220*, Y1258*, Y1271*, Y1306*, Y1339*, Y1168*, Y1177*.
Identifiers: ClinVar variation 2741513 (VCV002741513.3), dbSNP rs1431633756, ClinGen allele CA388019749.